The following is an entry in ClinVar:

ClinVar aggregate classification (germline): Uncertain significance. Review status: criteria provided, multiple submitters, no conflicts (2 of 4 stars). 2 submissions from 2 submitters: Uncertain significance (2). Last evaluated 2024-07-02.

Conditions:
Ellis-van Creveld syndrome (EVC). Also called: EVC-Related Ellis-van Creveld Syndrome; EVC2-Related Ellis-van Creveld Syndrome; MESOECTODERMAL DYSPLASIA; Chondroectodermal dysplasia. Identifiers: Orphanet 289, MedGen C0013903, MONDO:0009162, OMIM 225500.
Curry-Hall syndrome (WAD). Also called: WEYERS ACRODENTAL DYSOSTOSIS. Identifiers: Orphanet 952, MedGen C0457013, MONDO:0008673, OMIM 193530.
Inborn genetic diseases. Identifiers: MedGen C0950123, MeSH D030342.

gnomAD v4.1: 18 of 1,614,178 alleles (0.0011%); highest among the groups gnomAD compares: East Asian, 0.038%; no homozygotes.

Submissions (2):

Ambry Genetics
Classification: Uncertain significance for Inborn genetic diseases. Last evaluated: 2024-07-02. Review status: criteria provided, single submitter. Criteria: Ambry Variant Classification Scheme 2023. Collection method: clinical testing. Allele origin: germline.

Labcorp Genetics (formerly Invitae), Labcorp
Classification: Uncertain significance for Curry-Hall syndrome; Ellis-van Creveld syndrome. Last evaluated: 2024-07-01. Review status: criteria provided, single submitter. Criteria: Invitae Variant Classification Sherloc (09022015). Collection method: clinical testing. Allele origin: germline.
Comment: This sequence change replaces threonine, which is neutral and polar, with isoleucine, which is neutral and non-polar, at codon 1083 of the EVC2 protein (p.Thr1083Ile). This variant is present in population databases (rs749243480, gnomAD 0.07%). This variant has not been reported in the literature in individuals affected with EVC2-related conditions. An algorithm developed to predict the effect of missense changes on protein structure and function (PolyPhen-2) suggests that this variant¬¨‚Ä†is likely to be tolerated. In summary, the available evidence is currently insufficient to determine the role of this variant in disease. Therefore, it has been classified as a Variant of Uncertain Significance.

NM_147127.5(EVC2):c.3248C>T (p.Thr1083Ile)

Gene: EVC2 (EvC ciliary complex subunit 2; minus strand). Cytogenetic location: 4p16.2.
Variant type: single nucleotide variant.
Coding change: c.3248C>T on transcript NM_147127.5 (MANE Select); coding-DNA position 3248, C replaced by T.
Protein change: p.Thr1083Ile; replaces threonine 1083 with isoleucine.
Molecular consequence: missense variant.
Genome position (GRCh38, 1-based): chr4:5,576,264, G>A on the plus strand (C>T on the coding strand, the complement: EVC2 is on the minus strand). VCF-style: chr4-5576264-G-A. GRCh37 (hg19) VCF-style: chr4-5577991-G-A.
Other names: c.3008C>T, p.Thr1003Ile (NM_001166136.2); short protein forms T1083I, T1003I.
Identifiers: ClinVar variation 3510666 (VCV003510666.2).